The following is an entry in ClinVar:

NM_152703.5(SAMD9L):c.2886C>G (p.Asp962Glu)

Gene: SAMD9L (sterile alpha motif domain containing 9 like; minus strand). Cytogenetic location: 7q21.2.
Variant type: single nucleotide variant.
Coding change: c.2886C>G on transcript NM_152703.5 (MANE Select); coding-DNA position 2886, C replaced by G.
Protein change: p.Asp962Glu; replaces aspartic acid 962 with glutamic acid.
Molecular consequence: missense variant.
Genome position (GRCh38, 1-based): chr7:93,133,086, G>C on the plus strand (C>G on the coding strand, the complement: SAMD9L is on the minus strand). VCF-style: chr7-93133086-G-C. GRCh37 (hg19) VCF-style: chr7-92762399-G-C.
Other names: c.2886C>G, p.Asp962Glu (NM_001350085.2, NM_001303496.3, NM_001303497.3 and 5 more transcripts); short protein forms D962E.
Identifiers: ClinVar variation 4826186 (VCV004826186.1).
Genomic context (GRCh38, chr7:93,133,086, plus strand): 5'-GTATCTCCCATATTCTGCAACTTCTGTTTTTATTAGAAGTGTAGAATAAGTTCCCATCTT[G>C]TCTTCTAAGCTTTCAGGTTCCCAGGGTGTACTAGTGTATATGATTCCCAAAAATATTTCA-3'
Protein context (NP_689916.2, residues 952-972): STPWEPESLE[Asp962Glu]KMGTYSTLLI

ClinVar aggregate classification (germline): Uncertain significance (1 of 4 stars; one submission).

Conditions:
Inborn genetic diseases. Identifiers: MedGen C0950123, MeSH D030342.

gnomAD v4.1: 4 of 1,613,048 alleles (0.00025%); highest among the groups gnomAD compares: Non-Finnish European, 0.00034%; no homozygotes.

Submission:

Ambry Genetics
Classification: Uncertain significance for Inborn genetic diseases. Last evaluated: 2026-03-07. Review status: criteria provided, single submitter. Criteria: Ambry Variant Classification Scheme 2023. Collection method: clinical testing. Allele origin: germline.
Comment: The p.D962E variant (also known as c.2886C>G), located in coding exon 1 of the SAMD9L gene, results from a C to G substitution at nucleotide position 2886. The aspartic acid at codon 962 is replaced by glutamic acid, an amino acid with highly similar properties. This amino acid position is conserved. In addition, this alteration is predicted to be tolerated by in silico analysis. Based on the available evidence, the clinical significance of this variant remains unclear.